The following is an entry in ClinVar:

NM_000528.4(MAN2B1):c.1074T>G (p.Cys358Trp)

Gene: MAN2B1 (mannosidase alpha class 2B member 1; minus strand). Cytogenetic location: 19p13.13.
Variant type: single nucleotide variant.
Coding change: c.1074T>G on transcript NM_000528.4 (MANE Select); coding-DNA position 1074, T replaced by G.
Protein change: p.Cys358Trp; replaces cysteine 358 with tryptophan.
Molecular consequence: missense variant.
Genome position (GRCh38, 1-based): chr19:12,658,463, A>C on the plus strand (T>G on the coding strand, the complement: MAN2B1 is on the minus strand). VCF-style: chr19-12658463-A-C. GRCh37 (hg19) VCF-style: chr19-12769277-A-C.
Other names: c.1071T>G, p.Cys357Trp (NM_001173498.2); short protein forms C357W, C358W.
Identifiers: ClinVar variation 3636919 (VCV003636919.1).

ClinVar aggregate classification (germline): Uncertain significance (1 of 4 stars; one submission).

Conditions:
Deficiency of alpha-mannosidase (MANSA). Also called: Alpha-Mannosidosis; LYSOSOMAL ALPHA-D-MANNOSIDASE DEFICIENCY; Mannosidosis, alpha-, types I and II. Identifiers: Orphanet 61, MedGen C0024748, MONDO:0009561, OMIM 248500.

gnomAD v4.1: 1 of 1,614,202 alleles (0.000062%); highest among the groups gnomAD compares: Non-Finnish European, 0.000085%; no homozygotes.

Submission:

Labcorp Genetics (formerly Invitae), Labcorp
Classification: Uncertain significance for Deficiency of alpha-mannosidase. Last evaluated: 2024-05-15. Review status: criteria provided, single submitter. Criteria: Invitae Variant Classification Sherloc (09022015). Collection method: clinical testing. Allele origin: germline.
Comment: This sequence change replaces cysteine, which is neutral and slightly polar, with tryptophan, which is neutral and slightly polar, at codon 358 of the MAN2B1 protein (p.Cys358Trp). This variant is not present in population databases (gnomAD no frequency). This variant has not been reported in the literature in individuals affected with MAN2B1-related conditions. Advanced modeling of protein sequence and biophysical properties (such as structural, functional, and spatial information, amino acid conservation, physicochemical variation, residue mobility, and thermodynamic stability) has been performed at Invitae for this missense variant, however the output from this modeling did not meet the statistical confidence thresholds required to predict the impact of this variant on MAN2B1 protein function. In summary, the available evidence is currently insufficient to determine the role of this variant in disease. Therefore, it has been classified as a Variant of Uncertain Significance.